The following is an entry in ClinVar:

ClinVar aggregate classification (germline): Uncertain significance (0 of 4 stars; one submission).

Conditions:
CHD4-related disorder. Also called: CHD4-related condition.

Submission:

PreventionGenetics, part of Exact Sciences
Classification: Uncertain significance for CHD4-related condition. Last evaluated: 2024-07-05. Review status: no assertion criteria provided. Collection method: clinical testing. Allele origin: germline.
Comment: The CHD4 c.1060_1063delAAAG variant is predicted to result in a frameshift and premature protein termination (p.Lys354Alafs*5). To our knowledge, this variant has not been reported in the literature or in a large population database, indicating this variant is rare. At this time, loss-of-function has not been established as a disease mechanism for this gene, and therefore the clinical significance of this variant is currently uncertain due to the absence of conclusive functional and genetic evidence.

NM_001273.5(CHD4):c.1060_1063del (p.Lys354fs)

Gene: CHD4 (chromodomain helicase DNA binding protein 4; minus strand). Cytogenetic location: 12p13.31.
Variant type: Microsatellite.
Coding change: c.1060_1063del on transcript NM_001273.5 (MANE Select); coding-DNA positions 1060 to 1063, 4 bases deleted (AAAG; older notation c.1060_1063delAAAG).
Protein change: p.Lys354fs; shifts the reading frame from lysine 354.
Molecular consequence: frameshift variant.
Genome position (GRCh38, 1-based): chr12:6,600,534-6,600,537, CTTT deleted on the plus strand (AAAG on the coding strand, the reverse complement: CHD4 is on the minus strand); deleting any 4 consecutive bases within chr12:6,600,534-6,600,541 gives the same sequence; the c. name uses the placement nearest the transcript's 3' end. VCF-style (leftmost placement, unchanged base first): chr12-6600533-CCTTT-C. GRCh37 (hg19) VCF-style: chr12-6709699-CCTTT-C.
Other names: c.1039_1042del, p.Lys347fs (NM_001297553.2); c.1056_1059AAAG[1], p.Lys354fs (NM_001363606.2); short protein forms K347fs, K354fs.
Identifiers: ClinVar variation 3354519 (VCV003354519.1).